The following is an entry in ClinVar:

ClinVar aggregate classification (germline): Uncertain significance (1 of 4 stars; one submission).

Conditions:
Hereditary cancer-predisposing syndrome. Also called: Tumor predisposition; Hereditary Cancer Syndrome; Hereditary neoplastic syndrome; Neoplastic Syndromes, Hereditary. Identifiers: Orphanet 140162, MedGen C0027672, MeSH D009386, MONDO:0015356.

gnomAD v4.1: 1 of 1,602,694 alleles (0.000062%); highest among the groups gnomAD compares: Non-Finnish European, 0.000085%; no homozygotes.

Submission:

Ambry Genetics
Classification: Uncertain significance for Hereditary cancer-predisposing syndrome. Last evaluated: 2024-05-28. Review status: criteria provided, single submitter. Criteria: Ambry Variant Classification Scheme 2023. Collection method: clinical testing. Allele origin: germline.
Comment: The p.S1188T variant (also known as c.3563G>C), located in coding exon 7 of the MSH6 gene, results from a G to C substitution at nucleotide position 3563. The serine at codon 1188 is replaced by threonine, an amino acid with similar properties. This amino acid position is highly conserved in available vertebrate species. In addition, this alteration is predicted to be deleterious by in silico analysis. Based on the available evidence, the clinical significance of this variant remains unclear.

NM_000179.3(MSH6):c.3563G>C (p.Ser1188Thr)

Gene: MSH6 (mutS homolog 6; plus strand). Cytogenetic location: 2p16.3.
Variant type: single nucleotide variant.
Coding change: c.3563G>C on transcript NM_000179.3 (MANE Select); coding-DNA position 3563, G replaced by C.
Protein change: p.Ser1188Thr; replaces serine 1188 with threonine.
Molecular consequence: missense variant. On other transcripts: non-coding transcript variant (5).
Genome position (GRCh38, 1-based): chr2:47,805,624, G>C. VCF-style: chr2-47805624-G-C. GRCh37 (hg19) VCF-style: chr2-48032763-G-C.
Other names: c.410G>C, p.Ser137Thr (NM_001406832.1); c.1508G>C, p.Ser503Thr (NM_001407362.1); c.3173G>C, p.Ser1058Thr (NM_001281492.2); c.2657G>C, p.Ser886Thr (NM_001281493.2, NM_001281494.2, NM_001406811.1 and 6 more transcripts); c.3659G>C, p.Ser1220Thr (NM_001406795.1, NM_001406802.1); c.3563G>C, p.Ser1188Thr (NM_001406796.1, NM_001406800.1, NM_001406808.1 and 1 more transcripts); c.3266G>C, p.Ser1089Thr (NM_001406797.1, NM_001406801.1, NM_001406805.1 and 10 more transcripts); c.3389G>C, p.Ser1130Thr (NM_001406798.1); and 7 more; short protein forms S1190T, S1058T, S1130T, S1162T, S1188T, S503T, S666T, S1089T.
Identifiers: ClinVar variation 3296402 (VCV003296402.1).